The following is an entry in ClinVar:

NM_000046.5(ARSB):c.1057T>A (p.Trp353Arg)

Gene: ARSB (arylsulfatase B; minus strand). Cytogenetic location: 5q14.1.
Variant type: single nucleotide variant.
Coding change: c.1057T>A on transcript NM_000046.5 (MANE Select); coding-DNA position 1057, T replaced by A.
Protein change: p.Trp353Arg; replaces tryptophan 353 with arginine.
Molecular consequence: missense variant.
Genome position (GRCh38, 1-based): chr5:78,885,669, A>T on the plus strand (T>A on the coding strand, the complement: ARSB is on the minus strand). VCF-style: chr5-78885669-A-T. GRCh37 (hg19) VCF-style: chr5-78181492-A-T.
Other names: c.1057T>A, p.Trp353Arg (NM_198709.3); short protein forms W353R.
Identifiers: ClinVar variation 559670 (VCV000559670.2), dbSNP rs1554079297, ClinGen allele CA360342907.

ClinVar aggregate classification (germline): Conflicting classifications of pathogenicity. Review status: criteria provided, conflicting classifications (1 of 4 stars). 2 submissions from 2 submitters: Likely pathogenic (1); Uncertain significance (1). Last evaluated 2024-04-23.

Conditions:
Mucopolysaccharidosis type 6 (MPS6). Also called: N-ACETYLGALACTOSAMINE-4-SULFATASE DEFICIENCY; MPS VI; MPS 6; Maroteaux Lamy syndrome; ARSB DEFICIENCY; ARYLSULFATASE B DEFICIENCY. Identifiers: Orphanet 583, MedGen C0026709, MONDO:0009661, OMIM 253200.

Allele frequency attached by ClinVar (database versions not stated): gnomAD exomes below 0.00001.
gnomAD v4.1: 1 of 1,614,124 alleles (0.000062%); highest among the groups gnomAD compares: Non-Finnish European, 0.000085%; no homozygotes.

Submissions (2):

Natera, Inc.
Classification: Likely pathogenic for Mucopolysaccharidosis type VI. Last evaluated: 2024-04-23. Review status: criteria provided, single submitter. Criteria: Natera Variant Classification Schema (03/2026). Collection method: clinical testing. Allele origin: germline.
Comment: The c.1057T>A variant in ARSB is a missense variant predicted to cause substitution of tryptophan to arginine at amino acid 353. This variant is rare in the general population with a frequency below the threshold expected for the associated phenotype(s). This variant has been observed in one or more individuals affected with the associated recessive disease, as either homozygous or compound heterozygous with a second variant (PMID: 24243352). Functional studies show that this variant may disrupt protein function (PMID: 17161971). Computational prediction algorithms indicate this variant is likely to affect gene or protein function. Given the available evidence, this variant is classified as Likely Pathogenic.

Laboratory of Diagnosis and Therapy of Lysosomal Disorders, University of Padova
Classification: Uncertain significance for Mucopolysaccharidosis type 6. Last evaluated: 2018-01-01. Review status: criteria provided, single submitter. Criteria: ACMG Guidelines, 2015. Collection method: curation. Allele origin: germline. Affected: yes.
Comment: Absent from GnomAD (PM2)

Literature cited by the submitters: PubMed 24243352 (cited by Natera, Inc. and Laboratory of Diagnosis and Therapy of Lysosomal Disorders, University of Padova); PubMed 17161971 (cited by Natera, Inc. and Laboratory of Diagnosis and Therapy of Lysosomal Disorders, University of Padova); PubMed 30118150 (cited by Laboratory of Diagnosis and Therapy of Lysosomal Disorders, University of Padova).